The following is an entry in ClinVar:

ClinVar aggregate classification (germline): Uncertain significance (1 of 4 stars; one submission).

Conditions:
Paget disease of bone 2, early-onset (PDB2). Also called: Paget disease of bone 2. Identifiers: MedGen C4085251, MONDO:0011183, OMIM 602080.
Frontotemporal dementia and/or amyotrophic lateral sclerosis 1 (FTDALS1). Also called: Frontotemporal dementia with motor neuron disease 1; C9orf72 Frontotemporal Dementia and/or Amyotrophic Lateral Sclerosis. Identifiers: Orphanet 275872, MedGen C5779877, MONDO:0007105, OMIM 105550.

Submission:

Labcorp Genetics (formerly Invitae), Labcorp
Classification: Uncertain significance for Paget disease of bone 2, early-onset; Frontotemporal dementia and/or amyotrophic lateral sclerosis 1. Last evaluated: 2024-10-18. Review status: criteria provided, single submitter. Criteria: Invitae Variant Classification Sherloc (09022015). Collection method: clinical testing. Allele origin: germline.
Comment: This variant, c.436_462dup, results in the insertion of 9 amino acid(s) of the SQSTM1 protein (p.Pro146_Cys154dup), but otherwise preserves the integrity of the reading frame. This variant is present in population databases (rs754933881, gnomAD 0.002%). This variant has been observed in individual(s) with behavioral variant frontotemporal dementia (PMID: 34009082). Experimental studies and prediction algorithms are not available or were not evaluated, and the functional significance of this variant is currently unknown. In summary, the available evidence is currently insufficient to determine the role of this variant in disease. Therefore, it has been classified as a Variant of Uncertain Significance.

Literature cited by the submitters: PubMed 34009082.

NM_003900.5(SQSTM1):c.436_462dup (p.Cys154_Glu155insProAspTyrAspLeuCysSerValCys)

Gene: SQSTM1 (sequestosome 1; plus strand). Cytogenetic location: 5q35.3.
Variant type: Duplication.
Coding change: c.436_462dup on transcript NM_003900.5 (MANE Select); coding-DNA positions 436 to 462, 27 bases duplicated (CCAGACTACGACTTGTGTAGCGTCTGC).
Protein change: p.Cys154_Glu155insProAspTyrAspLeuCysSerValCys.
Molecular consequence: inframe insertion.
Genome position (GRCh38, 1-based): chr5:179,823,992-179,824,018, CCAGACTACGACTTGTGTAGCGTCTGC duplicated; duplicating any 27 consecutive bases within chr5:179,823,983-179,824,018 gives the same sequence; the c. name uses the placement nearest the transcript's 3' end. VCF-style (leftmost placement, unchanged base first): chr5-179823982-C-CAGCGTCTGCCCAGACTACGACTTGTGT. GRCh37 (hg19) VCF-style: chr5-179250982-C-CAGCGTCTGCCCAGACTACGACTTGTGT.
Other names: c.184_210dup, p.Cys70_Glu71insProAspTyrAspLeuCysSerValCys (NM_001142298.2, NM_001142299.2).
Identifiers: ClinVar variation 2922525 (VCV002922525.3), dbSNP rs754933881, ClinGen allele CA3600504.